The following is an entry in ClinVar:

NM_020778.5(ALPK3):c.4870C>T (p.Pro1624Ser)

Gene: ALPK3 (alpha kinase 3; plus strand). Cytogenetic location: 15q25.3.
Variant type: single nucleotide variant.
Coding change: c.4870C>T on transcript NM_020778.5 (MANE Select); coding-DNA position 4870, C replaced by T.
Protein change: p.Pro1624Ser; replaces proline 1624 with serine.
Molecular consequence: missense variant.
Genome position (GRCh38, 1-based): chr15:84,868,208, C>T. VCF-style: chr15-84868208-C-T. GRCh37 (hg19) VCF-style: chr15-85411439-C-T.
Other names: short protein forms P1624S.
Identifiers: ClinVar variation 1935094 (VCV001935094.5), dbSNP rs199665338, ClinGen allele CA7710106.
Genomic context (GRCh38, chr15:84,868,208, plus strand): 5'-CTGGACCGGTTCGCCTCCTCCCACCAGTGCAATGCCTACTGTGAGCTGCTGGGGCTGACA[C>T]CTCTCAAGGGCCCGGAGGCGGCCCACCCCCAAGCCAAAGCCAAAGGCTCTAAGAGTCCAT-3'
Protein context (NP_065829.4, residues 1614-1634): NAYCELLGLT[Pro1624Ser]LKGPEAAHPQ

ClinVar aggregate classification (germline): Uncertain significance (1 of 4 stars; one submission).

Allele frequency attached by ClinVar (database versions not stated): ExAC 0.00001; gnomAD 0.00001; 1000 Genomes Project 0.00020; 1000 Genomes Project 30x 0.00031.
gnomAD v4.1: 4 of 1,614,184 alleles (0.00025%); highest among the groups gnomAD compares: African/African-American, 0.0013%; no homozygotes.

Submission:

Labcorp Genetics (formerly Invitae), Labcorp
Classification: Uncertain significance. Last evaluated: 2024-01-22. Review status: criteria provided, single submitter. Criteria: Invitae Variant Classification Sherloc (09022015). Collection method: clinical testing. Allele origin: germline.
Comment: This sequence change replaces proline, which is neutral and non-polar, with serine, which is neutral and polar, at codon 1826 of the ALPK3 protein (p.Pro1826Ser). This variant is present in population databases (rs199665338, gnomAD 0.007%). This variant has not been reported in the literature in individuals affected with ALPK3-related conditions. ClinVar contains an entry for this variant (Variation ID: 1935094). Algorithms developed to predict the effect of missense changes on protein structure and function output the following: SIFT: "Not Available"; PolyPhen-2: "Benign"; Align-GVGD: "Not Available". The serine amino acid residue is found in multiple mammalian species, which suggests that this missense change does not adversely affect protein function. In summary, the available evidence is currently insufficient to determine the role of this variant in disease. Therefore, it has been classified as a Variant of Uncertain Significance.